The following is an entry in ClinVar:

NM_001267550.2(TTN):c.57030del (p.Pro19012fs)

Genes: TTN-AS1 (TTN antisense RNA 1; plus strand), TTN (titin; minus strand). Cytogenetic location: 2q31.2.
Variant type: Deletion.
Coding change: c.57030del on transcript NM_001267550.2 (MANE Select); coding-DNA position 57030, one base deleted (T; older notation c.57030delT).
Protein change: p.Pro19012fs; shifts the reading frame from proline 19012.
Molecular consequence: frameshift variant. On other transcripts: non-coding transcript variant (1).
Genome position (GRCh38, 1-based): chr2:178,598,587, A deleted on the plus strand (T on the coding strand, the reverse complement: TTN is on the minus strand). VCF-style (leftmost placement, unchanged base first): chr2-178598586-GA-G. GRCh37 (hg19) VCF-style: chr2-179463313-GA-G.
Other names: c.52107del, p.Pro17371fs (NM_001256850.1); c.29835del, p.Pro9947fs (NM_003319.4); c.49326del, p.Pro16444fs (NM_133378.4); c.30210del, p.Pro10072fs (NM_133432.3); c.30411del, p.Pro10139fs (NM_133437.4); short protein forms P10072fs, P10139fs, P16444fs, P17371fs, P19012fs, P9947fs.
Identifiers: ClinVar variation 1067002 (VCV001067002.9), dbSNP rs2154190616, ClinGen allele CA2499215409.
Genomic context (GRCh38, chr2:178,598,586, plus strand): 5'-CTTCTTCTTTATATTCAACGATGTATCCAGTTACTTTGGATCCACCATCTTTTAGTGGGG[GA>G]GACCACTCCAGATCTGCAGATGATTTAGTCCAATCTGTCACTTTGGGAAATGGAGGACCA-3'

ClinVar aggregate classification (germline): Likely pathogenic (1 of 4 stars; one submission).

Conditions:
Dilated cardiomyopathy 1G (CMD1G). Identifiers: Orphanet 154, MedGen C1858763, MONDO:0011400, OMIM 604145.
Autosomal recessive limb-girdle muscular dystrophy type 2J (LGMDR10). Also called: Limb-girdle muscular dystrophy, type 2J; MUSCULAR DYSTROPHY, LIMB-GIRDLE, AUTOSOMAL RECESSIVE 10. Identifiers: Orphanet 140922, MedGen C1837342, MONDO:0012127, OMIM 608807.

Submission:

Labcorp Genetics (formerly Invitae), Labcorp
Classification: Likely pathogenic for Dilated cardiomyopathy 1G; Autosomal recessive limb-girdle muscular dystrophy type 2J. Last evaluated: 2022-07-19. Review status: criteria provided, single submitter. Criteria: Invitae Variant Classification Sherloc (09022015). Collection method: clinical testing. Allele origin: germline.
Comment: This variant is not present in population databases (gnomAD no frequency). In summary, the currently available evidence indicates that the variant is pathogenic, but additional data are needed to prove that conclusively. Therefore, this variant has been classified as Likely Pathogenic. This variant is located in the A band of TTN (PMID: 25589632). Truncating variants in this region are significantly overrepresented in patients affected with dilated cardiomyopathy (PMID: 25589632). Truncating variants in this region have also been reported in individuals affected with autosomal recessive centronuclear myopathy (PMID: 23975875). ClinVar contains an entry for this variant (Variation ID: 1067002). This variant has not been reported in the literature in individuals affected with TTN-related conditions. This sequence change creates a premature translational stop signal (p.Pro19012Hisfs*2) in the TTN gene. While this is not anticipated to result in nonsense mediated decay, it is expected to create a truncated TTN protein.

Literature cited by the submitters: PubMed 25589632; PubMed 23975875.